The following is an entry in ClinVar:

NM_001127208.3(TET2):c.2888A>G (p.Gln963Arg)

Genes: TET2 (tet methylcytosine dioxygenase 2; plus strand), TET2-AS1 (TET2 antisense RNA 1; minus strand). Cytogenetic location: 4q24.
Variant type: single nucleotide variant.
Coding change: c.2888A>G on transcript NM_001127208.3 (MANE Select); coding-DNA position 2888, A replaced by G.
Protein change: p.Gln963Arg; replaces glutamine 963 with arginine.
Molecular consequence: missense variant.
Genome position (GRCh38, 1-based): chr4:105,236,830, A>G. VCF-style: chr4-105236830-A-G. GRCh37 (hg19) VCF-style: chr4-106157987-A-G.
Other names: c.2888A>G, p.Gln963Arg (NM_017628.4); short protein forms Q963R.
Identifiers: ClinVar variation 4865550 (VCV004865550.1).
Genomic context (GRCh38, chr4:105,236,830, plus strand): 5'-AGAAGGACACTCAAAAGCATGCTGCTCTAAGGTGGCATCTCTTACAGAAGCAAGAACAGC[A>G]GCAAACACAGCAACCCCAAACTGAGTCTTGCCATAGTCAGATGCACAGGCCAATTAAGGT-3'
Protein context (NP_001120680.1, residues 953-973): RWHLLQKQEQ[Gln963Arg]QTQQPQTESC

ClinVar aggregate classification (germline): Uncertain significance (1 of 4 stars; one submission).

Submission:

Ambry Genetics
Classification: Uncertain significance. Last evaluated: 2026-04-20. Review status: criteria provided, single submitter. Criteria: Ambry Variant Classification Scheme 2023. Collection method: clinical testing. Allele origin: germline.
Comment: The p.Q963R variant (also known as c.2888A>G), located in coding exon 1 of the TET2 gene, results from an A to G substitution at nucleotide position 2888. The glutamine at codon 963 is replaced by arginine, an amino acid with highly similar properties. This amino acid position is conserved. In addition, this alteration is predicted to be tolerated by in silico analysis. Based on the available evidence, the clinical significance of this variant remains unclear.